The following is an entry in ClinVar:

NM_015122.3(FCHO1):c.2226+5G>A

Gene: FCHO1 (FCH and mu domain containing endocytic adaptor 1; plus strand). Cytogenetic location: 19p13.11.
Variant type: single nucleotide variant.
Coding change: c.2226+5G>A on transcript NM_015122.3 (MANE Select); 5 bases into the intron after coding-DNA position 2226, G replaced by A.
Molecular consequence: intron variant.
Genome position (GRCh38, 1-based): chr19:17,784,240, G>A. VCF-style: chr19-17784240-G-A. GRCh37 (hg19) VCF-style: chr19-17895049-G-A.
Other names: c.2226+5G>A (NM_001384370.1, NM_001384376.1, NM_001384375.1 and 13 more transcripts); c.1950+5G>A (NM_001384396.1, NM_001384404.1, NM_001384398.1 and 5 more transcripts); c.2151+5G>A (NM_001384390.1); c.1800+5G>A (NM_001384406.1); c.1523+1068G>A (NM_001384407.1); c.2109+5G>A (NM_001384393.1, NM_001384394.1, NM_001384392.1 and 1 more transcripts); c.1905+5G>A (NM_001384403.1); c.2187+5G>A (NM_001384388.1, NM_001384389.1); and 2 more.
Identifiers: ClinVar variation 2804236 (VCV002804236.1), dbSNP rs779533518, ClinGen allele CA9300791.

ClinVar aggregate classification (germline): Uncertain significance (1 of 4 stars; one submission).

Allele frequency attached by ClinVar (database versions not stated): gnomAD 0.00001; TOPMed 0.00002; ExAC 0.00003.
gnomAD v4.1: 121 of 1,597,122 alleles (0.0076%); highest among the groups gnomAD compares: Non-Finnish European, 0.0097%; no homozygotes.

Submission:

Labcorp Genetics (formerly Invitae), Labcorp
Classification: Uncertain significance. Last evaluated: 2023-12-02. Review status: criteria provided, single submitter. Criteria: Invitae Variant Classification Sherloc (09022015). Collection method: clinical testing. Allele origin: germline.
Comment: This sequence change falls in intron 25 of the FCHO1 gene. It does not directly change the encoded amino acid sequence of the FCHO1 protein. It affects a nucleotide within the consensus splice site. This variant is present in population databases (rs779533518, gnomAD 0.02%). This variant has not been reported in the literature in individuals affected with FCHO1-related conditions. Variants that disrupt the consensus splice site are a relatively common cause of aberrant splicing (PMID: 17576681, 9536098). Algorithms developed to predict the effect of sequence changes on RNA splicing suggest that this variant is not likely to affect RNA splicing. In summary, the available evidence is currently insufficient to determine the role of this variant in disease. Therefore, it has been classified as a Variant of Uncertain Significance.

Literature cited by the submitters: PubMed 17576681; PubMed 9536098.